The following is an entry in ClinVar:

ClinVar aggregate classification (germline): Likely benign (0 of 4 stars; one submission).

Conditions:
UBA7-related disorder. Also called: UBA7-related condition.

Allele frequency attached by ClinVar (database versions not stated): gnomAD exomes 0.00007; ExAC 0.00011; gnomAD 0.00011.
gnomAD v4.1: 114 of 1,575,170 alleles (0.0072%); highest among the groups gnomAD compares: Admixed American, 0.021%; no homozygotes.

Submission:

PreventionGenetics, part of Exact Sciences
Classification: Likely benign for UBA7-related condition. Last evaluated: 2023-05-25. Review status: no assertion criteria provided. Collection method: clinical testing. Allele origin: germline.
Comment: This variant is classified as likely benign based on ACMG/AMP sequence variant interpretation guidelines (Richards et al. 2015 PMID: 25741868, with internal and published modifications).

NM_003335.3(UBA7):c.2910-9C>T

Gene: UBA7 (ubiquitin like modifier activating enzyme 7; minus strand). Cytogenetic location: 3p21.31.
Variant type: single nucleotide variant.
Coding change: c.2910-9C>T on transcript NM_003335.3 (MANE Select); 9 bases into the intron before coding-DNA position 2910, C replaced by T.
Molecular consequence: intron variant.
Genome position (GRCh38, 1-based): chr3:49,805,446, G>A on the plus strand (C>T on the coding strand, the complement: UBA7 is on the minus strand). VCF-style: chr3-49805446-G-A. GRCh37 (hg19) VCF-style: chr3-49842879-G-A.
Identifiers: ClinVar variation 3055060 (VCV003055060.2), dbSNP rs768888392, ClinGen allele CA2406605.